The following is an entry in ClinVar:

NM_001042432.2(CLN3):c.616G>A (p.Gly206Ser)

Gene: CLN3 (CLN3 lysosomal/endosomal transmembrane protein, battenin; minus strand). Cytogenetic location: 16p12.1.
Variant type: single nucleotide variant.
Coding change: c.616G>A on transcript NM_001042432.2 (MANE Select); coding-DNA position 616, G replaced by A.
Protein change: p.Gly206Ser; replaces glycine 206 with serine.
Molecular consequence: missense variant.
Genome position (GRCh38, 1-based): chr16:28,486,408, C>T on the plus strand (G>A on the coding strand, the complement: CLN3 is on the minus strand). VCF-style: chr16-28486408-C-T. GRCh37 (hg19) VCF-style: chr16-28497729-C-T.
Other names: p.G206S:GGC>AGC; c.616G>A, p.Gly206Ser (NM_000086.2); c.544G>A, p.Gly182Ser (NM_001286104.2); c.316G>A, p.Gly106Ser (NM_001286105.2); c.382G>A, p.Gly128Ser (NM_001286109.2); c.454G>A, p.Gly152Ser (NM_001286110.2); short protein forms G206S, G128S, G182S, G106S, G152S.
Identifiers: ClinVar variation 205118 (VCV000205118.18), dbSNP rs370603922, ClinGen allele CA313836.

ClinVar aggregate classification (germline): Uncertain significance. Review status: criteria provided, multiple submitters, no conflicts (2 of 4 stars). 6 submissions from 6 submitters: Uncertain significance (6). Last evaluated 2026-01-13.

Conditions:
Inborn genetic diseases. Identifiers: MedGen C0950123, MeSH D030342.
Neuronal ceroid lipofuscinosis. Also called: Neuronal Ceroid Lipofuscinoses. Identifiers: Orphanet 216, Orphanet 79263, MedGen C0027877, MONDO:0016295. Disease mechanism: loss of function.
Neuronal ceroid lipofuscinosis 3 (CLN3). Identifiers: Orphanet 228346, MedGen C0751383, MONDO:0008767, OMIM 204200.

Allele frequency attached by ClinVar (database versions not stated): gnomAD exomes 0.00003 and 0.00007; ESP Exome Variant Server 0.00008; ExAC 0.00009; TOPMed 0.00012; 1000 Genomes Project 0.00020; gnomAD 0.00021 and 0.00023; 1000 Genomes Project 30x 0.00031.

Submissions (6):

Ambry Genetics
Classification: Uncertain significance for Inborn genetic diseases. Last evaluated: 2026-01-13. Review status: criteria provided, single submitter. Criteria: Ambry Variant Classification Scheme 2023. Collection method: clinical testing. Allele origin: germline.
Comment: The c.616G>A (p.G206S) alteration is located in exon 9 (coding exon 8) of the CLN3 gene. This alteration results from a G to A substitution at nucleotide position 616, causing the glycine (G) at amino acid position 206 to be replaced by a serine (S). Based on data from gnomAD, the A allele has an overall frequency of 0.007% (20/279376) total alleles studied. The highest observed frequency was 0.025% (5/19882) of East Asian alleles. Based on insufficient or conflicting evidence, the clinical significance of this alteration remains unclear.

GeneDx
Classification: Uncertain significance. Last evaluated: 2026-01-13. Review status: criteria provided, single submitter. Criteria: GeneDx Variant Classification Process June 2021. Collection method: clinical testing. Allele origin: germline. Affected: yes.
Comment: Has not been previously published as pathogenic or benign to our knowledge; In silico analysis supports that this missense variant has a deleterious effect on protein structure/function

Blueprint Genetics
Classification: Uncertain significance. Last evaluated: 2023-11-30. Review status: criteria provided, single submitter. Criteria: ACMG Guidelines, 2015. Collection method: clinical testing. Allele origin: germline.

Labcorp Genetics (formerly Invitae), Labcorp
Classification: Uncertain significance for Neuronal ceroid lipofuscinosis. Last evaluated: 2022-11-01. Review status: criteria provided, single submitter. Criteria: Invitae Variant Classification Sherloc (09022015). Collection method: clinical testing. Allele origin: germline.
Comment: This sequence change replaces glycine, which is neutral and non-polar, with serine, which is neutral and polar, at codon 206 of the CLN3 protein (p.Gly206Ser). This variant is present in population databases (rs370603922, gnomAD 0.03%). This variant has not been reported in the literature in individuals affected with CLN3-related conditions. ClinVar contains an entry for this variant (Variation ID: 205118). Algorithms developed to predict the effect of missense changes on protein structure and function are either unavailable or do not agree on the potential impact of this missense change (SIFT: "Tolerated"; PolyPhen-2: "Probably Damaging"; Align-GVGD: "Class C0"). In summary, the available evidence is currently insufficient to determine the role of this variant in disease. Therefore, it has been classified as a Variant of Uncertain Significance.

Genome-Nilou Lab
Classification: Uncertain significance for Neuronal ceroid lipofuscinosis 3. Last evaluated: 2021-09-05. Review status: criteria provided, single submitter. Criteria: ACMG Guidelines, 2015. Collection method: clinical testing. Allele origin: germline. Affected: no.

Center for Pediatric Genomic Medicine, Children's Mercy Hospital and Clinics
Classification: Uncertain significance. Last evaluated: 2016-04-18. Review status: criteria provided, single submitter. Criteria: ACMG Guidelines, 2015. Collection method: clinical testing. Allele origin: germline.
ClinVar note: Converted during submission from Uncertain Significance to Uncertain significance.